The following is an entry in ClinVar:

ClinVar aggregate classification (germline): Conflicting classifications of pathogenicity. Review status: criteria provided, conflicting classifications (1 of 4 stars). 6 submissions from 6 submitters: Uncertain significance (3); Likely benign (2). 1 of the submissions does not count toward it. Last evaluated 2026-04-04.

Conditions:
Aminoacylase 1 deficiency. Also called: Neurological conditions associated with aminoacylase 1 deficiency. Identifiers: Orphanet 137754, MedGen C1835922, MONDO:0012368, OMIM 609924.
ACY1-related disorder. Also called: ACY1-related condition.

Allele frequency attached by ClinVar (database versions not stated): TOPMed 0.00175; 1000 Genomes Project 0.00060; gnomAD 0.00143 and 0.00159; ESP Exome Variant Server 0.00215; 1000 Genomes Project 30x 0.00047.
gnomAD v4.1: 682 of 1,614,078 alleles (0.042%); highest among the groups gnomAD compares: African/African-American, 0.55%; 3 homozygotes.

Submissions (6):

GeneDx
Classification: Uncertain significance. Last evaluated: 2026-04-04. Review status: criteria provided, single submitter. Criteria: GeneDx Variant Classification Process June 2021. Collection method: clinical testing. Allele origin: germline.
Comment: In silico analysis supports that this missense variant has a deleterious effect on protein structure/function; Has not been previously published as pathogenic or benign to our knowledge

Labcorp Genetics (formerly Invitae), Labcorp
Classification: Likely benign. Last evaluated: 2025-10-01. Review status: criteria provided, single submitter. Criteria: Invitae Variant Classification Sherloc (09022015). Collection method: clinical testing. Allele origin: germline.

Blueprint Genetics
Classification: Likely benign. Last evaluated: 2024-08-06. Review status: criteria provided, single submitter. Criteria: ACMG Guidelines, 2015. Collection method: clinical testing. Allele origin: germline.

Mayo Clinic Laboratories, Mayo Clinic
Classification: Uncertain significance. Last evaluated: 2019-11-03. Review status: criteria provided, single submitter. Criteria: ACMG Guidelines, 2015. Collection method: clinical testing. Allele origin: germline. Observed: 1 variant allele.

Baylor Genetics
Classification: Uncertain significance for Aminoacylase 1 deficiency. Last evaluated: 2018-09-07. Review status: criteria provided, single submitter. Criteria: ACMG Guidelines, 2015. Collection method: clinical testing. Allele origin: paternal. Affected: yes.
Comment: This variant was determined to be of uncertain significance according to ACMG Guidelines, 2015 [PMID:25741868].

PreventionGenetics, part of Exact Sciences
Classification: Likely benign for ACY1-related condition. Last evaluated: 2024-08-02. Review status: no assertion criteria provided. Collection method: clinical testing. Allele origin: germline. Not counted in ClinVar's aggregate classification.
Comment: This variant is classified as likely benign based on ACMG/AMP sequence variant interpretation guidelines (Richards et al. 2015 PMID: 25741868, with internal and published modifications).

NM_000666.3(ACY1):c.1177C>T (p.Arg393Cys)

Genes: ABHD14A-ACY1 (ABHD14A-ACY1 readthrough; plus strand), ACY1 (aminoacylase 1; plus strand). Cytogenetic location: 3p21.2.
Variant type: single nucleotide variant.
Coding change: c.1177C>T on transcript NM_000666.3 (MANE Select); coding-DNA position 1177, C replaced by T.
Protein change: p.Arg393Cys; replaces arginine 393 with cysteine.
Molecular consequence: missense variant.
Genome position (GRCh38, 1-based): chr3:51,989,025, C>T. VCF-style: chr3-51989025-C-T. GRCh37 (hg19) VCF-style: chr3-52023041-C-T.
Other names: c.1447C>T, p.Arg483Cys (NM_001316331.2); c.1177C>T, p.Arg393Cys (NM_001198895.2); c.961C>T, p.Arg321Cys (NM_001198896.2); c.982C>T, p.Arg328Cys (NM_001198897.2); c.1072C>T, p.Arg358Cys (NM_001198898.2); short protein forms R393C, R321C, R328C, R358C, R483C.
Identifiers: ClinVar variation 726734 (VCV000726734.19), dbSNP rs6804746, ClinGen allele CA2428777.